The following is an entry in ClinVar:

ClinVar aggregate classification (germline): Uncertain significance (1 of 4 stars; one submission).

Submission:

GeneDx
Classification: Uncertain significance. Last evaluated: 2022-08-29. Review status: criteria provided, single submitter. Criteria: GeneDx Variant Classification Process June 2021. Collection method: clinical testing. Allele origin: germline. Affected: yes.
Comment: Not observed at significant frequency in large population cohorts (gnomAD); In silico analysis supports that this missense variant has a deleterious effect on protein structure/function; Has not been previously published as pathogenic or benign to our knowledge

NM_002516.4(NOVA2):c.523C>G (p.Leu175Val)

Gene: NOVA2 (NOVA alternative splicing regulator 2; minus strand). Cytogenetic location: 19q13.32.
Variant type: single nucleotide variant.
Coding change: c.523C>G on transcript NM_002516.4 (MANE Select); coding-DNA position 523, C replaced by G.
Protein change: p.Leu175Val; replaces leucine 175 with valine.
Molecular consequence: missense variant.
Genome position (GRCh38, 1-based): chr19:45,940,819, G>C on the plus strand (C>G on the coding strand, the complement: NOVA2 is on the minus strand). VCF-style: chr19-45940819-G-C. GRCh37 (hg19) VCF-style: chr19-46444077-G-C.
Other names: short protein forms L175V.
Identifiers: ClinVar variation 2442492 (VCV002442492.1), dbSNP rs1382852940, ClinGen allele CA406436481.